The following is an entry in ClinVar:

NM_001042492.3(NF1):c.3488_3491delinsTGACATGCT (p.His1163fs)

Gene: NF1 (neurofibromin 1; plus strand). Cytogenetic location: 17q11.2.
Variant type: Indel.
Coding change: c.3488_3491delinsTGACATGCT on transcript NM_001042492.3 (MANE Select); coding-DNA positions 3488 to 3491, ACTC replaced by TGACATGCT.
Protein change: p.His1163fs; shifts the reading frame from histidine 1163.
Molecular consequence: frameshift variant.
Genome position (GRCh38, 1-based): chr17:31,232,873-31,232,876, ACTC replaced by TGACATGCT. VCF-style: chr17-31232873-ACTC-TGACATGCT. GRCh37 (hg19) VCF-style: chr17-29559891-ACTC-TGACATGCT.
Other names: c.3488_3491delACTCinsTGACATGCT, p.His1163Leufs (NM_000267.4); c.3488_3491delACTCinsTGACATGCT (NM_000267.3); short protein forms H1163fs.
Identifiers: ClinVar variation 3404792 (VCV003404792.1).

ClinVar aggregate classification (germline): Pathogenic (1 of 4 stars; one submission).

Conditions:
Hereditary cancer-predisposing syndrome. Also called: Hereditary Cancer Syndrome; Tumor predisposition; Hereditary neoplastic syndrome; Neoplastic Syndromes, Hereditary. Identifiers: Orphanet 140162, MedGen C0027672, MeSH D009386, MONDO:0015356.
Cardiovascular phenotype. Identifiers: MedGen CN230736.

Submission:

Ambry Genetics
Classification: Pathogenic for Cardiovascular phenotype; Hereditary cancer-predisposing syndrome. Last evaluated: 2024-10-24. Review status: criteria provided, single submitter. Criteria: Ambry Variant Classification Scheme 2023. Collection method: clinical testing. Allele origin: germline.
Comment: The c.3488_3491delACTCinsTGACATGCT pathogenic mutation, located in coding exon 26 of the NF1 gene, results from the deletion of 4 nucleotides and insertion of 9 nucleotides causing a translational frameshift with a predicted alternate stop codon (p.H1163Lfs*5). This variant is considered to be rare based on population cohorts in the Genome Aggregation Database (gnomAD). This alteration is expected to result in loss of function by premature protein truncation or nonsense-mediated mRNA decay. As such, this alteration is interpreted as a disease-causing mutation.